The following is an entry in ClinVar:

NM_001382391.1(CSPP1):c.2411A>C (p.Glu804Ala)

Gene: CSPP1 (centrosome and spindle pole associated protein 1; plus strand). Cytogenetic location: 8q13.2.
Variant type: single nucleotide variant.
Coding change: c.2411A>C on transcript NM_001382391.1 (MANE Select); coding-DNA position 2411, A replaced by C.
Protein change: p.Glu804Ala; replaces glutamic acid 804 with alanine.
Molecular consequence: missense variant.
Genome position (GRCh38, 1-based): chr8:67,159,010, A>C. VCF-style: chr8-67159010-A-C. GRCh37 (hg19) VCF-style: chr8-68071245-A-C.
Other names: c.1361A>C, p.Glu454Ala (NM_001291339.2); c.2330A>C, p.Glu777Ala (NM_001363131.2); c.2216A>C, p.Glu739Ala (NM_001363132.2); c.2135A>C, p.Glu712Ala (NM_001363133.2); c.2477A>C, p.Glu826Ala (NM_001364869.1); c.2297A>C, p.Glu766Ala (NM_001364870.1); c.2396A>C, p.Glu799Ala (NM_024790.7); short protein forms E712A, E826A, E777A, E804A, E739A, E766A, E799A, E454A.
Identifiers: ClinVar variation 2015035 (VCV002015035.4), dbSNP rs2489713512, ClinGen allele CA371189638.

ClinVar aggregate classification (germline): Uncertain significance (1 of 4 stars; one submission).

Conditions:
Joubert syndrome 21 (JBTS21). Identifiers: MedGen C3810212, MONDO:0014288, OMIM 615636.

Submission:

Labcorp Genetics (formerly Invitae), Labcorp
Classification: Uncertain significance for Joubert syndrome 21. Last evaluated: 2022-07-08. Review status: criteria provided, single submitter. Criteria: Invitae Variant Classification Sherloc (09022015). Collection method: clinical testing. Allele origin: germline.
Comment: In summary, the available evidence is currently insufficient to determine the role of this variant in disease. Therefore, it has been classified as a Variant of Uncertain Significance. Algorithms developed to predict the effect of missense changes on protein structure and function are either unavailable or do not agree on the potential impact of this missense change (SIFT: "Tolerated"; PolyPhen-2: "Probably Damaging"; Align-GVGD: "Class C0"). This variant has not been reported in the literature in individuals affected with CSPP1-related conditions. This variant is not present in population databases (gnomAD no frequency). This sequence change replaces glutamic acid, which is acidic and polar, with alanine, which is neutral and non-polar, at codon 799 of the CSPP1 protein (p.Glu799Ala).